The following is an entry in ClinVar:

NM_006096.4(NDRG1):c.842C>A (p.Thr281Asn)

Gene: NDRG1 (N-myc downstream regulated 1; minus strand). Cytogenetic location: 8q24.22.
Variant type: single nucleotide variant.
Coding change: c.842C>A on transcript NM_006096.4 (MANE Select); coding-DNA position 842, C replaced by A.
Protein change: p.Thr281Asn; replaces threonine 281 with asparagine.
Molecular consequence: missense variant.
Genome position (GRCh38, 1-based): chr8:133,246,629, G>T on the plus strand (C>A on the coding strand, the complement: NDRG1 is on the minus strand). VCF-style: chr8-133246629-G-T. GRCh37 (hg19) VCF-style: chr8-134258872-G-T.
Other names: c.842C>A, p.Thr281Asn (NM_001135242.2, NM_001374845.1, NM_001374846.1); c.644C>A, p.Thr215Asn (NM_001258432.2, NM_001374847.1); c.599C>A, p.Thr200Asn (NM_001258433.2); c.893C>A, p.Thr298Asn (NM_001374844.1); short protein forms T281N, T298N, T200N, T215N.
Identifiers: ClinVar variation 2071076 (VCV002071076.4), dbSNP rs2538018292, ClinGen allele CA372254932.

ClinVar aggregate classification (germline): Uncertain significance (1 of 4 stars; one submission).

Conditions:
Charcot-Marie-Tooth disease type 4. Also called: Charcot-Marie-Tooth, Type 4; Charcot-Marie-Tooth disease, type IV. Identifiers: Orphanet 64749, MedGen C4082197, MONDO:0018995.

Allele frequency attached by ClinVar (database versions not stated): gnomAD exomes below 0.00001.
gnomAD v4.1: 1 of 1,614,170 alleles (0.000062%); highest among the groups gnomAD compares: Non-Finnish European, 0.000085%; no homozygotes.

Submission:

Labcorp Genetics (formerly Invitae), Labcorp
Classification: Uncertain significance for Charcot-Marie-Tooth disease type 4. Last evaluated: 2024-02-17. Review status: criteria provided, single submitter. Criteria: Invitae Variant Classification Sherloc (09022015). Collection method: clinical testing. Allele origin: germline.
Comment: This sequence change replaces threonine, which is neutral and polar, with asparagine, which is neutral and polar, at codon 281 of the NDRG1 protein (p.Thr281Asn). This variant is not present in population databases (gnomAD no frequency). This variant has not been reported in the literature in individuals affected with NDRG1-related conditions. ClinVar contains an entry for this variant (Variation ID: 2071076). Advanced modeling of protein sequence and biophysical properties (such as structural, functional, and spatial information, amino acid conservation, physicochemical variation, residue mobility, and thermodynamic stability) has been performed at Invitae for this missense variant, however the output from this modeling did not meet the statistical confidence thresholds required to predict the impact of this variant on NDRG1 protein function. In summary, the available evidence is currently insufficient to determine the role of this variant in disease. Therefore, it has been classified as a Variant of Uncertain Significance.